The following is an entry in ClinVar:

NM_006267.5(RANBP2):c.274A>G (p.Thr92Ala)

Gene: RANBP2 (RAN binding protein 2; plus strand). Cytogenetic location: 2q13.
Variant type: single nucleotide variant.
Coding change: c.274A>G on transcript NM_006267.5 (MANE Select); coding-DNA position 274, A replaced by G.
Protein change: p.Thr92Ala; replaces threonine 92 with alanine.
Molecular consequence: missense variant.
Genome position (GRCh38, 1-based): chr2:108,731,343, A>G. VCF-style: chr2-108731343-A-G. GRCh37 (hg19) VCF-style: chr2-109347799-A-G.
Other names: short protein forms T92A.
Identifiers: ClinVar variation 1025192 (VCV001025192.5), dbSNP rs766491918, ClinGen allele CA1821995.
Genomic context (GRCh38, chr2:108,731,343, plus strand): 5'-AATTTATTTACTAATCTTTAATTTCTTTTCTGATATTAGCGTTCAGTGGAATTAAACCCA[A>G]CACAAAAAGATCTTGTGTTGAAGATTGCAGAATTGCTTTGTAAAAATGATGTTACTGATG-3'
Protein context (NP_006258.3, residues 82-102): CYRRSVELNP[Thr92Ala]QKDLVLKIAE

ClinVar aggregate classification (germline): Uncertain significance (1 of 4 stars; one submission).

Conditions:
Familial acute necrotizing encephalopathy (IIAE3). Also called: ENCEPHALOPATHY, ACUTE, INFECTION-INDUCED, SUSCEPTIBILITY TO, 3; Susceptibility to Acute Necrotizing Encephalopathy 1. Identifiers: Orphanet 88619, MedGen C2675556, MONDO:0011953, OMIM 608033.

Allele frequency attached by ClinVar (database versions not stated): ExAC 0.00001; gnomAD exomes 0.00001.

Submission:

Labcorp Genetics (formerly Invitae), Labcorp
Classification: Uncertain significance for Familial acute necrotizing encephalopathy. Last evaluated: 2021-02-25. Review status: criteria provided, single submitter. Criteria: Invitae Variant Classification Sherloc (09022015). Collection method: clinical testing. Allele origin: germline.
Comment: In summary, the available evidence is currently insufficient to determine the role of this variant in disease. Therefore, it has been classified as a Variant of Uncertain Significance. Algorithms developed to predict the effect of missense changes on protein structure and function are either unavailable or do not agree on the potential impact of this missense change (SIFT: "Deleterious"; PolyPhen-2: "Benign"; Align-GVGD: "Class C55"). This variant has not been reported in the literature in individuals with RANBP2-related conditions. The frequency data for this variant in the population databases is considered unreliable, as metrics indicate poor data quality at this position in the ExAC database. This sequence change replaces threonine with alanine at codon 92 of the RANBP2 protein (p.Thr92Ala). The threonine residue is highly conserved and there is a small physicochemical difference between threonine and alanine.